The following is an entry in ClinVar:

ClinVar aggregate classification (germline): Uncertain significance. Review status: criteria provided, multiple submitters, no conflicts (2 of 4 stars). 2 submissions from 2 submitters: Uncertain significance (2). Last evaluated 2024-04-19.

gnomAD v4.1: 1 of 1,614,180 alleles (0.000062%); no homozygotes.

Submissions (2):

Blueprint Genetics
Classification: Uncertain significance. Last evaluated: 2024-04-19. Review status: criteria provided, single submitter. Criteria: ACMG Guidelines, 2015. Collection method: clinical testing. Allele origin: germline.

Labcorp Genetics (formerly Invitae), Labcorp
Classification: Uncertain significance. Last evaluated: 2022-06-14. Review status: criteria provided, single submitter. Criteria: Invitae Variant Classification Sherloc (09022015). Collection method: clinical testing. Allele origin: germline.
Comment: In summary, the available evidence is currently insufficient to determine the role of this variant in disease. Therefore, it has been classified as a Variant of Uncertain Significance. Advanced modeling of protein sequence and biophysical properties (such as structural, functional, and spatial information, amino acid conservation, physicochemical variation, residue mobility, and thermodynamic stability) performed at Invitae indicates that this missense variant is expected to disrupt LRP5 protein function. This missense change has been observed in individual(s) with early-onset osteoporosis (PMID: 33939331). This variant is not present in population databases (gnomAD no frequency). This sequence change replaces leucine, which is neutral and non-polar, with proline, which is neutral and non-polar, at codon 973 of the LRP5 protein (p.Leu973Pro).

Literature cited by the submitters: PubMed 33939331 (cited by Labcorp Genetics (formerly Invitae), Labcorp).

NM_002335.4(LRP5):c.2918T>C (p.Leu973Pro)

Gene: LRP5 (LDL receptor related protein 5; plus strand). Cytogenetic location: 11q13.2.
Variant type: single nucleotide variant.
Coding change: c.2918T>C on transcript NM_002335.4 (MANE Select); coding-DNA position 2918, T replaced by C.
Protein change: p.Leu973Pro; replaces leucine 973 with proline.
Molecular consequence: missense variant.
Genome position (GRCh38, 1-based): chr11:68,416,418, T>C. VCF-style: chr11-68416418-T-C. GRCh37 (hg19) VCF-style: chr11-68183886-T-C.
Other names: c.1175T>C, p.Leu392Pro (NM_001291902.2); short protein forms L392P, L973P.
Identifiers: ClinVar variation 1968895 (VCV001968895.6), dbSNP rs2098662572, ClinGen allele CA381619819.
Genomic context (GRCh38, chr11:68,416,418, plus strand): 5'-AATCTGCCATCAGTCGGATGATCCCGGACGACCAGCACAGCCCGGATCTCATCCTGCCCC[T>C]GCATGGACTGAGGAACGTCAAAGCCATCGACTATGACCCACTGGACAAGTTCATCTACTG-3'
Protein context (NP_002326.2, residues 963-983): DQHSPDLILP[Leu973Pro]HGLRNVKAID